The following is an entry in ClinVar:

ClinVar aggregate classification (germline): Uncertain significance. Review status: criteria provided, multiple submitters, no conflicts (2 of 4 stars). 2 submissions from 2 submitters: Uncertain significance (2). Last evaluated 2023-11-03.

Conditions:
Inborn genetic diseases. Identifiers: MedGen C0950123, MeSH D030342.

Allele frequency attached by ClinVar (database versions not stated): gnomAD exomes 0.00001; gnomAD 0.00005; TOPMed 0.00009.
gnomAD v4.1: 14 of 1,613,936 alleles (0.00087%); highest among the groups gnomAD compares: Admixed American, 0.013%; no homozygotes.

Submissions (2):

Ambry Genetics
Classification: Uncertain significance for Inborn genetic diseases. Last evaluated: 2023-11-03. Review status: criteria provided, single submitter. Criteria: Ambry Variant Classification Scheme 2023. Collection method: clinical testing. Allele origin: germline.

Labcorp Genetics (formerly Invitae), Labcorp
Classification: Uncertain significance. Last evaluated: 2022-10-25. Review status: criteria provided, single submitter. Criteria: Invitae Variant Classification Sherloc (09022015). Collection method: clinical testing. Allele origin: germline.
Comment: This sequence change replaces leucine, which is neutral and non-polar, with proline, which is neutral and non-polar, at codon 874 of the C2CD3 protein (p.Leu874Pro). This variant is present in population databases (no rsID available, gnomAD 0.003%). This variant has not been reported in the literature in individuals affected with C2CD3-related conditions. Advanced modeling of protein sequence and biophysical properties (such as structural, functional, and spatial information, amino acid conservation, physicochemical variation, residue mobility, and thermodynamic stability) performed at Invitae indicates that this missense variant is expected to disrupt C2CD3 protein function. In summary, the available evidence is currently insufficient to determine the role of this variant in disease. Therefore, it has been classified as a Variant of Uncertain Significance.

NM_001286577.2(C2CD3):c.2621T>C (p.Leu874Pro)

Gene: C2CD3 (C2 domain containing 3 centriole elongation regulator; minus strand). Cytogenetic location: 11q13.4.
Variant type: single nucleotide variant.
Coding change: c.2621T>C on transcript NM_001286577.2 (MANE Select); coding-DNA position 2621, T replaced by C.
Protein change: p.Leu874Pro; replaces leucine 874 with proline.
Molecular consequence: missense variant.
Genome position (GRCh38, 1-based): chr11:74,100,636, A>G on the plus strand (T>C on the coding strand, the complement: C2CD3 is on the minus strand). VCF-style: chr11-74100636-A-G. GRCh37 (hg19) VCF-style: chr11-73811681-A-G.
Other names: c.2621T>C, p.Leu874Pro (NM_015531.6); c.2621T>C (NM_015531.4); short protein forms L874P.
Identifiers: ClinVar variation 2172996 (VCV002172996.2), dbSNP rs1036887650, ClinGen allele CA224516785.